The following is an entry in ClinVar:

NM_005518.4(HMGCS2):c.512C>T (p.Ala171Val)

Gene: HMGCS2 (3-hydroxy-3-methylglutaryl-CoA synthase 2; minus strand). Cytogenetic location: 1p12.
Variant type: single nucleotide variant.
Coding change: c.512C>T on transcript NM_005518.4 (MANE Select); coding-DNA position 512, C replaced by T.
Protein change: p.Ala171Val; replaces alanine 171 with valine.
Molecular consequence: missense variant.
Genome position (GRCh38, 1-based): chr1:119,764,219, G>A on the plus strand (C>T on the coding strand, the complement: HMGCS2 is on the minus strand). VCF-style: chr1-119764219-G-A. GRCh37 (hg19) VCF-style: chr1-120306842-G-A.
Other names: c.512C>T, p.Ala171Val (NM_001166107.1); short protein forms A171V.
Identifiers: ClinVar variation 870423 (VCV000870423.2), dbSNP rs1653132966, ClinGen allele CA341864330.

ClinVar aggregate classification (germline): Likely pathogenic (1 of 4 stars; one submission).

Conditions:
3-hydroxy-3-methylglutaryl-CoA synthase deficiency (HMGCS2D). Also called: MITOCHONDRIAL HMG-CoA SYNTHASE DEFICIENCY; HMG-CoA synthase-2 deficiency; HMGCS2 DEFICIENCY. Identifiers: Orphanet 35701, MedGen C2751532, MONDO:0011614, OMIM 605911.

Allele frequency attached by ClinVar (database versions not stated): gnomAD exomes below 0.00001.

Submission:

Victorian Clinical Genetics Services, Murdoch Childrens Research Institute
Classification: Likely pathogenic for 3-hydroxy-3-methylglutaryl-CoA synthase deficiency. Last evaluated: 2019-01-07. Review status: criteria provided, single submitter. Criteria: ACMG Guidelines, 2015. Collection method: clinical testing. Allele origin: paternal. Affected: yes. Observed: 2 variant alleles.
Comment: A heterozygous missense variant, NM_005518.3(HMGCS2):c.512C>T, has been identified in exon 2 of 10 of the HMGCS2 gene. The variant is predicted to result in a minor amino acid change from alanine to valine at position 171 of the protein (NP_005509.1(HMGCS2):p.(Ala171Val)). The alanine residue at this position has moderate conservation (100 vertebrates, UCSC), and is located within the HMG_CoA synthase N terminal functional domain. In silico predictions of pathogenicity for this variant are conflicting (Polyphen, SIFT, CADD, Mutation Taster). The variant is absent in the gnomAD population database, and has not been previously reported in clinical cases. Following multidisciplinary clinical review of this case, this variant was determined to be highly concordant with the phenotypic presentation of the patient. Based on the information available at the time of curation, this variant has been classified as LIKELY PATHOGENIC. The presence of these two variants in trans confirms a compound heterozygous mode of inheritance which is consistent with HMG-CoA synthase-2 deficiency.